The following is an entry in ClinVar:

NM_000465.4(BARD1):c.1904-5G>T

Gene: BARD1 (BRCA1 associated RING domain 1; minus strand). Cytogenetic location: 2q35.
Variant type: single nucleotide variant.
Coding change: c.1904-5G>T on transcript NM_000465.4 (MANE Select); 5 bases into the intron before coding-DNA position 1904, G replaced by T.
Molecular consequence: intron variant.
Genome position (GRCh38, 1-based): chr2:214,730,513, C>A on the plus strand (G>T on the coding strand, the complement: BARD1 is on the minus strand). VCF-style: chr2-214730513-C-A. GRCh37 (hg19) VCF-style: chr2-215595237-C-A.
Other names: c.1904-5G>T (LRG_297t1); c.494-5G>T (NM_001282548.2); c.1847-5G>T (NM_001282543.2); c.551-5G>T (NM_001282545.2); c.365-5G>T (NM_001282549.2).
Identifiers: ClinVar variation 414126 (VCV000414126.25), dbSNP rs376639978, ClinGen allele CA2090118.

ClinVar aggregate classification (germline): Conflicting classifications of pathogenicity. Review status: criteria provided, conflicting classifications (1 of 4 stars). 5 submissions from 5 submitters: Uncertain significance (1); Likely benign (3). 1 of the submissions does not count toward it. Last evaluated 2025-11-30.

Conditions:
BARD1-related disorder. Also called: BARD1-related condition.
Hereditary cancer-predisposing syndrome. Also called: Neoplastic Syndromes, Hereditary; Tumor predisposition; Hereditary Cancer Syndrome; Hereditary neoplastic syndrome. Identifiers: Orphanet 140162, MedGen C0027672, MeSH D009386, MONDO:0015356.
Familial cancer of breast. Also called: Hereditary breast cancer; hereditary breast carcinoma; BREAST CANCER, FAMILIAL. Identifiers: Orphanet 227535, MedGen C0346153, MONDO:0016419, OMIM 114480. Disease mechanism: loss of function.

Allele frequency attached by ClinVar (database versions not stated): TOPMed 0.00003.
gnomAD v4.1: 7 of 1,610,658 alleles (0.00043%); highest among the groups gnomAD compares: East Asian, 0.0045%; no homozygotes.

Submissions (5):

Labcorp Genetics (formerly Invitae), Labcorp
Classification: Likely benign for Familial cancer of breast. Last evaluated: 2025-11-30. Review status: criteria provided, single submitter. Criteria: Invitae Variant Classification Sherloc (09022015). Collection method: clinical testing. Allele origin: germline.

Color Diagnostics, LLC DBA Color Health
Classification: Likely benign for Hereditary cancer-predisposing syndrome. Last evaluated: 2024-08-19. Review status: criteria provided, single submitter. Criteria: ACMG Guidelines, 2015. Collection method: clinical testing. Allele origin: germline.

Ambry Genetics
Classification: Uncertain significance for Hereditary cancer-predisposing syndrome. Last evaluated: 2024-08-13. Review status: criteria provided, single submitter. Criteria: Ambry Variant Classification Scheme 2023. Collection method: clinical testing. Allele origin: germline.
Comment: The c.1904-5G>T intronic variant results from a G to T substitution 5 nucleotides upstream from coding exon 10 in the BARD1 gene. This nucleotide position is not well conserved in available vertebrate species. In silico splice site analysis predicts that this alteration will not have any significant effect on splicing; however, direct evidence is insufficient at this time (Ambry internal data). Based on the available evidence, the clinical significance of this variant remains unclear.

Myriad Genetics, Inc.
Classification: Likely benign for Familial cancer of breast. Last evaluated: 2024-07-29. Review status: criteria provided, single submitter. Criteria: Myriad Autosomal Dominant, Autosomal Recessive and X-Linked Classification Criteria (2023). Collection method: clinical testing. Allele origin: unknown.
Comment: This variant is considered likely benign. This variant is intronic and is not expected to impact mRNA splicing.

PreventionGenetics, part of Exact Sciences
Classification: Likely benign for BARD1-related condition. Last evaluated: 2022-12-16. Review status: no assertion criteria provided. Collection method: clinical testing. Allele origin: germline. Not counted in ClinVar's aggregate classification.
Comment: This variant is classified as likely benign based on ACMG/AMP sequence variant interpretation guidelines (Richards et al. 2015 PMID: 25741868, with internal and published modifications).